The following is an entry in ClinVar:

ClinVar aggregate classification (germline): Uncertain significance (1 of 4 stars; one submission).

Submission:

GeneDx
Classification: Uncertain significance. Last evaluated: 2023-02-26. Review status: criteria provided, single submitter. Criteria: GeneDx Variant Classification Process June 2021. Collection method: clinical testing. Allele origin: germline. Affected: yes.
Comment: Not observed at significant frequency in large population cohorts (gnomAD); In silico analysis supports that this missense variant has a deleterious effect on protein structure/function; Has not been previously published as pathogenic or benign to our knowledge

NM_016343.4(CENPF):c.322A>C (p.Lys108Gln)

Genes: CENPF (centromere protein F; plus strand), LOC126806006 (BRD4-independent group 4 enhancer GRCh37_chr1:214788162-214789361; plus strand). Cytogenetic location: 1q41.
Variant type: single nucleotide variant.
Coding change: c.322A>C on transcript NM_016343.4 (MANE Select); coding-DNA position 322, A replaced by C.
Protein change: p.Lys108Gln; replaces lysine 108 with glutamine.
Molecular consequence: missense variant.
Genome position (GRCh38, 1-based): chr1:214,614,991, A>C. VCF-style: chr1-214614991-A-C. GRCh37 (hg19) VCF-style: chr1-214788334-A-C.
Other names: short protein forms K108Q.
Identifiers: ClinVar variation 2577653 (VCV002577653.1), dbSNP rs1571695605, ClinGen allele CA344826316.